The following is an entry in ClinVar:

ClinVar aggregate classification (germline): Conflicting classifications of pathogenicity. Review status: criteria provided, conflicting classifications (1 of 4 stars). 2 submissions from 2 submitters: Uncertain significance (1); Likely benign (1). Last evaluated 2025-06-18.

Conditions:
Von Hippel-Lindau syndrome (VHLS). Also called: VHL syndrome; Von Hippel-Lindau; von Hippel–Lindau syndrome. Identifiers: Orphanet 892, MedGen C0019562, MONDO:0008667, OMIM 193300. Disease mechanism: loss of function.
Chuvash polycythemia. Also called: POLYCYTHEMIA, VHL-DEPENDENT. Identifiers: Orphanet 238557, MedGen C1837915, MONDO:0009892, OMIM 263400.

Submissions (2):

Labcorp Genetics (formerly Invitae), Labcorp
Classification: Uncertain significance for Von Hippel-Lindau syndrome; Chuvash polycythemia. Last evaluated: 2025-06-18. Review status: criteria provided, single submitter. Criteria: Invitae Variant Classification Sherloc (09022015). Collection method: clinical testing. Allele origin: germline.
Comment: This sequence change affects the initiator codon of the VHL mRNA. This change may impact translation initiation or efficiency. The next in-frame methionine is located at codon 54. It is unclear whether it will result in an absent or disrupted protein product because an in-frame methionine located at codon 54 has the potential to rescue this variant. This variant is not present in population databases (gnomAD no frequency). This variant has not been reported in the literature in individuals affected with VHL-related conditions. ClinVar contains an entry for this variant (Variation ID: 3379082). Experimental studies and prediction algorithms are not available or were not evaluated, and the functional significance of this variant is currently unknown. Several studies have shown that the VHL protein created from a downstream methionine located at codon 54 is biologically active, and exhibits properties similar to the full-length, wild-type protein (PMID: 9671762, 9751722). In summary, the available evidence is currently insufficient to determine the role of this variant in disease. Therefore, it has been classified as a Variant of Uncertain Significance.

Myriad Genetics, Inc.
Classification: Likely benign for Von Hippel-Lindau syndrome. Last evaluated: 2024-08-20. Review status: criteria provided, single submitter. Criteria: Myriad Autosomal Dominant, Autosomal Recessive and X-Linked Classification Criteria (2023). Collection method: clinical testing. Allele origin: unknown.
Comment: This variant is considered likely benign. This variant has been observed at a population frequency that is significantly greater than expected given the associated disease prevalence and penetrance.

Literature cited by the submitters: PubMed 9671762 (cited by Labcorp Genetics (formerly Invitae), Labcorp); PubMed 9751722 (cited by Labcorp Genetics (formerly Invitae), Labcorp).

NM_000551.4(VHL):c.1A>C (p.Met1Leu)

Gene: VHL (von Hippel-Lindau tumor suppressor; plus strand). Cytogenetic location: 3p25.3.
Variant type: single nucleotide variant.
Coding change: c.1A>C on transcript NM_000551.4 (MANE Select); coding-DNA position 1, A replaced by C.
Protein change: p.Met1Leu; changes the start codon (methionine 1).
Molecular consequence: missense variant, initiator codon variant. On other transcripts: non-coding transcript variant (1).
Genome position (GRCh38, 1-based): chr3:10,141,848, A>C. VCF-style: chr3-10141848-A-C. GRCh37 (hg19) VCF-style: chr3-10183532-A-C.
Other names: c.1A>C, p.Met1Leu (NM_001354723.2, NM_198156.3); short protein forms M1L.
Identifiers: ClinVar variation 3379082 (VCV003379082.2).